The following is an entry in ClinVar:

ClinVar aggregate classification (germline): Conflicting classifications of pathogenicity. Review status: criteria provided, conflicting classifications (1 of 4 stars). 2 submissions from 2 submitters: Uncertain significance (1); Likely benign (1). Last evaluated 2024-10-25.

Allele frequency attached by ClinVar (database versions not stated): gnomAD 0.00038; gnomAD exomes 0.00061; 1000 Genomes Project 30x 0.00016; 1000 Genomes Project 0.00020; ExAC 0.00032; TOPMed 0.00036.
gnomAD v4.1: 935 of 1,613,402 alleles (0.058%); highest among the groups gnomAD compares: Non-Finnish European, 0.072%; 3 homozygotes.

Submissions (2):

Ambry Genetics
Classification: Uncertain significance. Last evaluated: 2024-10-25. Review status: criteria provided, single submitter. Criteria: Ambry Variant Classification Scheme 2023. Collection method: clinical testing. Allele origin: germline.

CeGaT Center for Human Genetics Tuebingen
Classification: Likely benign. Last evaluated: 2024-08-01. Review status: criteria provided, single submitter. Criteria: CeGaT Center For Human Genetics Tuebingen Variant Classification Criteria Version 2. Collection method: clinical testing. Allele origin: germline. Affected: yes. Observed: 1 variant allele.
Comment: UGT2B15: BP4

NM_001076.4(UGT2B15):c.1039A>T (p.Thr347Ser)

Gene: UGT2B15 (UDP glucuronosyltransferase family 2 member B15; minus strand). Cytogenetic location: 4q13.2.
Variant type: single nucleotide variant.
Coding change: c.1039A>T on transcript NM_001076.4 (MANE Select); coding-DNA position 1039, A replaced by T.
Protein change: p.Thr347Ser; replaces threonine 347 with serine.
Molecular consequence: missense variant.
Genome position (GRCh38, 1-based): chr4:68,655,149, T>A on the plus strand (A>T on the coding strand, the complement: UGT2B15 is on the minus strand). VCF-style: chr4-68655149-T-A. GRCh37 (hg19) VCF-style: chr4-69520867-T-A.
Other names: short protein forms T347S.
Identifiers: ClinVar variation 2304026 (VCV002304026.19), dbSNP rs142948482, ClinGen allele CA2942530.